The following is an entry in ClinVar:

NM_002529.4(NTRK1):c.2387G>A (p.Gly796Asp)

Gene: NTRK1 (neurotrophic receptor tyrosine kinase 1; plus strand). Cytogenetic location: 1q23.1.
Variant type: single nucleotide variant.
Coding change: c.2387G>A on transcript NM_002529.4 (MANE Select); coding-DNA position 2387, G replaced by A.
Protein change: p.Gly796Asp; replaces glycine 796 with aspartic acid.
Molecular consequence: missense variant.
Genome position (GRCh38, 1-based): chr1:156,881,638, G>A. VCF-style: chr1-156881638-G-A. GRCh37 (hg19) VCF-style: chr1-156851430-G-A.
Other names: c.2279G>A, p.Gly760Asp (NM_001007792.1); c.2369G>A, p.Gly790Asp (NM_001012331.2); short protein forms G796D, G760D, G790D.
Identifiers: ClinVar variation 1477877 (VCV001477877.10), dbSNP rs1381670284, ClinGen allele CA342941824.

ClinVar aggregate classification (germline): Uncertain significance. Review status: criteria provided, multiple submitters, no conflicts (2 of 4 stars). 3 submissions from 3 submitters: Uncertain significance (3). Last evaluated 2023-04-11.

Conditions:
Inborn genetic diseases. Identifiers: MedGen C0950123, MeSH D030342.
Hereditary insensitivity to pain with anhidrosis (CIPA). Also called: NTRK1 Congenital Insensitivity to Pain with Anhidrosis; hereditary sensory and autonomic neuropathy type 4; INSENSITIVITY TO PAIN, CONGENITAL, WITH ANHIDROSIS; FAMILIAL DYSAUTONOMIA, TYPE II; NEUROPATHY, CONGENITAL SENSORY, WITH ANHIDROSIS; HSAN Type IV. Identifiers: Orphanet 642, MedGen C0020074, MONDO:0009746, OMIM 256800.

gnomAD v4.1: 2 of 1,604,554 alleles (0.00012%); highest among the groups gnomAD compares: Non-Finnish European, 0.00017%; no homozygotes.

Submissions (3):

Genome-Nilou Lab
Classification: Uncertain significance for Hereditary insensitivity to pain with anhidrosis. Last evaluated: 2023-04-11. Review status: criteria provided, single submitter. Criteria: ACMG Guidelines, 2015. Collection method: clinical testing. Allele origin: germline. Affected: no.

Ambry Genetics
Classification: Uncertain significance for Inborn genetic diseases. Last evaluated: 2021-08-05. Review status: criteria provided, single submitter. Criteria: Ambry Variant Classification Scheme 2023. Collection method: clinical testing. Allele origin: germline.
Comment: The p.G790D variant (also known as c.2369G>A), located in coding exon 16 of the NTRK1 gene, results from a G to A substitution at nucleotide position 2369. The glycine at codon 790 is replaced by aspartic acid, an amino acid with similar properties. This amino acid position is conserved. In addition, this alteration is predicted to be deleterious by in silico analysis. Since supporting evidence is limited at this time, the clinical significance of this alteration remains unclear.

Labcorp Genetics (formerly Invitae), Labcorp
Classification: Uncertain significance for Hereditary insensitivity to pain with anhidrosis. Last evaluated: 2021-04-16. Review status: criteria provided, single submitter. Criteria: Invitae Variant Classification Sherloc (09022015). Collection method: clinical testing. Allele origin: germline.
Comment: Advanced modeling of protein sequence and biophysical properties (such as structural, functional, and spatial information, amino acid conservation, physicochemical variation, residue mobility, and thermodynamic stability) performed at Invitae indicates that this missense variant is not expected to disrupt NTRK1 protein function. In summary, the available evidence is currently insufficient to determine the role of this variant in disease. Therefore, it has been classified as a Variant of Uncertain Significance. This variant has not been reported in the literature in individuals with NTRK1-related conditions. This sequence change replaces glycine with aspartic acid at codon 790 of the NTRK1 protein (p.Gly790Asp). The glycine residue is highly conserved and there is a moderate physicochemical difference between glycine and aspartic acid. This variant is not present in population databases (ExAC no frequency).